The following is an entry in ClinVar:

ClinVar aggregate classification (germline): Benign. Review status: criteria provided, multiple submitters, no conflicts (2 of 4 stars). 6 submissions from 6 submitters: Benign (6). Last evaluated 2026-02-04.

Conditions:
FLNB-Related Spectrum Disorders.

Allele frequency attached by ClinVar (database versions not stated): gnomAD exomes 0.30546 and 0.38658; ESP Exome Variant Server 0.33677; gnomAD 0.36629 and 0.37739; ExAC 0.38520; TOPMed 0.39608; 1000 Genomes Project 0.57129; 1000 Genomes Project 30x 0.57152.
gnomAD v4.1: 505,622 of 1,613,232 alleles (31%); highest among the groups gnomAD compares: East Asian, 93%; 95,127 homozygotes.

Submissions (6):

Labcorp Genetics (formerly Invitae), Labcorp
Classification: Benign. Last evaluated: 2026-02-04. Review status: criteria provided, single submitter. Criteria: Invitae Variant Classification Sherloc (09022015). Collection method: clinical testing. Allele origin: germline.

Blueprint Genetics
Classification: Benign. Last evaluated: 2024-11-26. Review status: criteria provided, single submitter. Criteria: ACMG Guidelines, 2015. Collection method: clinical testing. Allele origin: germline.

Illumina Laboratory Services, Illumina
Classification: Benign for FLNB-Related Spectrum Disorders. Last evaluated: 2018-01-13. Review status: criteria provided, single submitter. Criteria: ICSL Variant Classification Criteria 13 December 2019. Collection method: clinical testing. Allele origin: germline.
Comment: This variant was observed in the ICSL laboratory as part of a predisposition screen in an ostensibly healthy population. It had not been previously curated by ICSL or reported in the Human Gene Mutation Database (HGMD: prior to June 1st, 2018), and was therefore a candidate for classification through an automated scoring system. Utilizing variant allele frequency, disease prevalence and penetrance estimates, and inheritance mode, an automated score was calculated to assess if this variant is too frequent to cause the disease. Based on the score and internal cut-off values, a variant classified as benign is not then subjected to further curation. The score for this variant resulted in a classification of benign for this disease.

GeneDx
Classification: Benign. Last evaluated: 2016-02-01. Review status: criteria provided, single submitter. Criteria: GeneDx Variant Classification (06012015). Collection method: clinical testing. Allele origin: germline. Affected: yes.
Comment: This variant is considered likely benign or benign based on one or more of the following criteria: it is a conservative change, it occurs at a poorly conserved position in the protein, it is predicted to be benign by multiple in silico algorithms, and/or has population frequency not consistent with disease.

Breakthrough Genomics
Classification: Benign. Review status: criteria provided, single submitter. Criteria: ACMG Guidelines, 2015. Collection method: not provided. Allele origin: germline. Inheritance: Autosomal recessive inheritance. Affected: yes.

PreventionGenetics, part of Exact Sciences
Classification: Benign. Review status: criteria provided, single submitter. Criteria: ACMG Guidelines, 2015. Collection method: clinical testing. Allele origin: germline.

NM_001457.4(FLNB):c.7359C>T (p.Ser2453=)

Genes: FLNB (filamin B; plus strand), FLNB-AS1 (FLNB antisense RNA 1; minus strand). Cytogenetic location: 3p14.3.
Variant type: single nucleotide variant.
Coding change: c.7359C>T on transcript NM_001457.4 (MANE Select); coding-DNA position 7359, C replaced by T.
Protein change: p.Ser2453=; no amino-acid change (serine 2453 retained).
Molecular consequence: synonymous variant.
Genome position (GRCh38, 1-based): chr3:58,168,600, C>T. VCF-style: chr3-58168600-C-T. GRCh37 (hg19) VCF-style: chr3-58154327-C-T.
Other names: c.7452C>T, p.Ser2484= (NM_001164317.2); c.7326C>T, p.Ser2442= (NM_001164318.2); c.7287C>T, p.Ser2429= (NM_001164319.2).
Identifiers: ClinVar variation 258122 (VCV000258122.15), dbSNP rs8640, ClinGen allele CA2469660.